The following is an entry in ClinVar:

ClinVar aggregate classification (germline): Pathogenic (1 of 4 stars; one submission).

Conditions:
Hereditary cancer-predisposing syndrome. Also called: Neoplastic Syndromes, Hereditary; Tumor predisposition; Hereditary Cancer Syndrome; Hereditary neoplastic syndrome. Identifiers: Orphanet 140162, MedGen C0027672, MeSH D009386, MONDO:0015356.

Submission:

Ambry Genetics
Classification: Pathogenic for Hereditary cancer-predisposing syndrome. Last evaluated: 2019-06-17. Review status: criteria provided, single submitter. Criteria: Ambry Variant Classification Scheme 2023. Collection method: clinical testing. Allele origin: germline.
Comment: The c.1690delT pathogenic mutation, located in coding exon 4 of the MSH6 gene, results from a deletion of one nucleotide at nucleotide position 1690, causing a translational frameshift with a predicted alternate stop codon (p.S564Hfs*7). This alteration is expected to result in loss of function by premature protein truncation or nonsense-mediated mRNA decay. As such, this alteration is interpreted as a disease-causing mutation.

NM_000179.3(MSH6):c.1690del (p.Ser564fs)

Gene: MSH6 (mutS homolog 6; plus strand). Cytogenetic location: 2p16.3.
Variant type: Deletion.
Coding change: c.1690del on transcript NM_000179.3 (MANE Select); coding-DNA position 1690, one base deleted (T; older notation c.1690delT).
Protein change: p.Ser564fs; shifts the reading frame from serine 564.
Molecular consequence: frameshift variant.
Genome position (GRCh38, 1-based): chr2:47,799,673, T deleted; the last of 2 consecutive T bases (chr2:47,799,672-47,799,673); deleting either gives the same sequence. VCF-style (leftmost placement, unchanged base first): chr2-47799671-CT-C. GRCh37 (hg19) VCF-style: chr2-48026810-CT-C.
Other names: c.1300del, p.Ser434fs (NM_001281492.2); c.784del, p.Ser262fs (NM_001281493.2, NM_001281494.2); c.1786delT, p.Ser596Hisfs (NM_001406795.1, NM_001406802.1); c.1690delT, p.Ser564Hisfs (NM_001406796.1, NM_001406798.1, NM_001406800.1 and 3 more transcripts); c.1393delT, p.Ser465Hisfs (NM_001406797.1, NM_001406801.1, NM_001406805.1 and 10 more transcripts); c.1165delT, p.Ser389Hisfs (NM_001406799.1, NM_001406806.1, NM_001406807.1); c.1612delT, p.Ser538Hisfs (NM_001406804.1); c.784delT, p.Ser262Hisfs (NM_001406811.1, NM_001406812.1, NM_001406814.1 and 4 more transcripts); and 2 more; short protein forms S262fs, S434fs, S564fs.
Identifiers: ClinVar variation 1778131 (VCV001778131.2), dbSNP rs2530624885, ClinGen allele CA2580067673.
Genomic context (GRCh38, chr2:47,799,671, plus strand): 5'-AAGAAAAAGAGGAAGATTCTTCTGGCCATACTCGTGCATATGGTGTGTGCTTTGTTGATA[CT>C]TCACTGGGAAAGTTTTTCATAGGTCAGTTTTCAGATGATCGCCATTGTTCGAGATTTAGG-3'